The following is an entry in ClinVar:

NM_001395159.1(UNC79):c.987A>G (p.Ser329=)

Gene: UNC79 (unc-79 subunit of NALCN channel complex; plus strand). Cytogenetic location: 14q32.12.
Variant type: single nucleotide variant.
Coding change: c.987A>G on transcript NM_001395159.1 (MANE Select); coding-DNA position 987, A replaced by G.
Protein change: p.Ser329=; no amino-acid change (serine 329 retained).
Molecular consequence: synonymous variant.
Genome position (GRCh38, 1-based): chr14:93,528,581, A>G. VCF-style: chr14-93528581-A-G. GRCh37 (hg19) VCF-style: chr14-93994927-A-G.
Other names: c.987A>G, p.Ser329= (NM_001346218.2); c.456A>G, p.Ser152= (NM_020818.5).
Identifiers: ClinVar variation 4534325 (VCV004534325.6).

ClinVar aggregate classification (germline): Likely benign (1 of 4 stars; one submission).

gnomAD v4.1: 524 of 1,613,966 alleles (0.032%); highest among the groups gnomAD compares: East Asian, 0.97%; 4 homozygotes.

Submission:

CeGaT Center for Human Genetics Tuebingen
Classification: Likely benign. Last evaluated: 2025-10-01. Review status: criteria provided, single submitter. Criteria: CeGaT Center For Human Genetics Tuebingen Variant Classification Criteria Version 2. Collection method: clinical testing. Allele origin: germline. Affected: yes. Observed: 1 variant allele.
Comment: UNC79: BP4, BP7